The following is an entry in ClinVar:

ClinVar aggregate classification (germline): Uncertain significance. Review status: criteria provided, multiple submitters, no conflicts (2 of 4 stars). 2 submissions from 2 submitters: Uncertain significance (2). Last evaluated 2025-11-24.

Conditions:
Hereditary cancer-predisposing syndrome. Also called: Hereditary Cancer Syndrome; Hereditary neoplastic syndrome; Neoplastic Syndromes, Hereditary; Tumor predisposition. Identifiers: Orphanet 140162, MedGen C0027672, MeSH D009386, MONDO:0015356.
EGFR-related lung cancer (EGFR). Identifiers: MedGen CN130014.

Allele frequency attached by ClinVar (database versions not stated): gnomAD 0.00001; gnomAD exomes 0.00001; TOPMed 0.00001.
gnomAD v4.1: 3 of 1,507,762 alleles (0.0002%); highest among the groups gnomAD compares: Admixed American, 0.0059%; no homozygotes.

Submissions (2):

Labcorp Genetics (formerly Invitae), Labcorp
Classification: Uncertain significance for EGFR-related lung cancer. Last evaluated: 2025-11-24. Review status: criteria provided, single submitter. Criteria: Invitae Variant Classification Sherloc (09022015). Collection method: clinical testing. Allele origin: germline.
Comment: This sequence change replaces glycine, which is neutral and non-polar, with alanine, which is neutral and non-polar, at codon 5 of the EGFR protein (p.Gly5Ala). The frequency data for this variant in the population databases is considered unreliable, as metrics indicate poor data quality at this position in the gnomAD database. This variant has not been reported in the literature in individuals affected with EGFR-related conditions. ClinVar contains an entry for this variant (Variation ID: 1063111). An algorithm developed to predict the effect of missense changes on protein structure and function outputs the following: PolyPhen-2: "Benign". The alanine amino acid residue is found in multiple mammalian species, which suggests that this missense change does not adversely affect protein function. In summary, the available evidence is currently insufficient to determine the role of this variant in disease. Therefore, it has been classified as a Variant of Uncertain Significance.

Ambry Genetics
Classification: Uncertain significance for Hereditary cancer-predisposing syndrome. Last evaluated: 2025-08-04. Review status: criteria provided, single submitter. Criteria: Ambry Variant Classification Scheme 2023. Collection method: clinical testing. Allele origin: germline.
Comment: The p.G5A variant (also known as c.14G>C), located in coding exon 1 of the EGFR gene, results from a G to C substitution at nucleotide position 14. The glycine at codon 5 is replaced by alanine, an amino acid with similar properties. This amino acid position is well conserved in available vertebrate species. In addition, this alteration is predicted to be tolerated by in silico analysis. Based on the available evidence, the clinical significance of this variant remains unclear.

NM_005228.5(EGFR):c.14G>C (p.Gly5Ala)

Gene: EGFR (epidermal growth factor receptor; plus strand). Cytogenetic location: 7p11.2.
Variant type: single nucleotide variant.
Coding change: c.14G>C on transcript NM_005228.5 (MANE Select); coding-DNA position 14, G replaced by C.
Protein change: p.Gly5Ala; replaces glycine 5 with alanine.
Molecular consequence: missense variant.
Genome position (GRCh38, 1-based): chr7:55,019,291, G>C. VCF-style: chr7-55019291-G-C. GRCh37 (hg19) VCF-style: chr7-55086984-G-C.
Other names: c.14G>C, p.Gly5Ala (NM_001346897.2, NM_001346898.2, NM_001346899.2 and 4 more transcripts); c.14G>C (NM_005228.3); short protein forms G5A.
Identifiers: ClinVar variation 1063111 (VCV001063111.10), dbSNP rs759582787, ClinGen allele CA367611184.